The following is an entry in ClinVar:

ClinVar aggregate classification (germline): Uncertain significance (1 of 4 stars; one submission).

Allele frequency attached by ClinVar (database versions not stated): TOPMed below 0.00001.

Submission:

Labcorp Genetics (formerly Invitae), Labcorp
Classification: Uncertain significance. Last evaluated: 2021-02-28. Review status: criteria provided, single submitter. Criteria: Invitae Variant Classification Sherloc (09022015). Collection method: clinical testing. Allele origin: germline.
Comment: The frequency data for this variant in the population databases is considered unreliable, as metrics indicate insufficient coverage at this position in the ExAC database. This variant has not been reported in the literature in individuals with GRM6-related conditions. Algorithms developed to predict the effect of missense changes on protein structure and function are either unavailable or do not agree on the potential impact of this missense change (SIFT: "Deleterious"; PolyPhen-2: "Benign"; Align-GVGD: "Class C0"). In summary, the available evidence is currently insufficient to determine the role of this variant in disease. Therefore, it has been classified as a Variant of Uncertain Significance. This sequence change replaces glycine with cysteine at codon 121 of the GRM6 protein (p.Gly121Cys). The glycine residue is moderately conserved and there is a large physicochemical difference between glycine and cysteine.

NM_000843.4(GRM6):c.361G>T (p.Gly121Cys)

Gene: GRM6 (glutamate metabotropic receptor 6; minus strand). Cytogenetic location: 5q35.3.
Variant type: single nucleotide variant.
Coding change: c.361G>T on transcript NM_000843.4 (MANE Select); coding-DNA position 361, G replaced by T.
Protein change: p.Gly121Cys; replaces glycine 121 with cysteine.
Molecular consequence: missense variant.
Genome position (GRCh38, 1-based): chr5:178,994,584, C>A on the plus strand (G>T on the coding strand, the complement: GRM6 is on the minus strand). VCF-style: chr5-178994584-C-A. GRCh37 (hg19) VCF-style: chr5-178421585-C-A.
Other names: short protein forms G121C.
Identifiers: ClinVar variation 1347299 (VCV001347299.8), dbSNP rs1358872532, ClinGen allele CA362436081.